The following is an entry in ClinVar:

ClinVar aggregate classification (germline): Likely benign. Review status: criteria provided, single submitter (1 of 4 stars). 2 submissions from 2 submitters: Likely benign (1). 1 of the submissions does not count toward it. Last evaluated 2025-12-03.

Conditions:
DPYS-related disorder. Also called: DPYS-related condition.

Allele frequency attached by ClinVar (database versions not stated): TOPMed 0.00003; gnomAD 0.00004.
gnomAD v4.1: 42 of 1,614,046 alleles (0.0026%); highest among the groups gnomAD compares: Admixed American, 0.005%; no homozygotes.

Submissions (2):

Labcorp Genetics (formerly Invitae), Labcorp
Classification: Likely benign. Last evaluated: 2025-12-03. Review status: criteria provided, single submitter. Criteria: Invitae Variant Classification Sherloc (09022015). Collection method: clinical testing. Allele origin: germline.

PreventionGenetics, part of Exact Sciences
Classification: Likely benign for DPYS-related condition. Last evaluated: 2019-07-08. Review status: no assertion criteria provided. Collection method: clinical testing. Allele origin: germline. Not counted in ClinVar's aggregate classification.
Comment: This variant is classified as likely benign based on ACMG/AMP sequence variant interpretation guidelines (Richards et al. 2015 PMID: 25741868, with internal and published modifications).

NM_001385.3(DPYS):c.270T>G (p.Ala90=)

Gene: DPYS (dihydropyrimidinase; minus strand). Cytogenetic location: 8q22.3.
Variant type: single nucleotide variant.
Coding change: c.270T>G on transcript NM_001385.3 (MANE Select); coding-DNA position 270, T replaced by G.
Protein change: p.Ala90=; no amino-acid change (alanine 90 retained).
Molecular consequence: synonymous variant.
Genome position (GRCh38, 1-based): chr8:104,451,399, A>C on the plus strand (T>G on the coding strand, the complement: DPYS is on the minus strand). VCF-style: chr8-104451399-A-C. GRCh37 (hg19) VCF-style: chr8-105463627-A-C.
Other names: c.270T>G (NM_001385.2).
Identifiers: ClinVar variation 2067524 (VCV002067524.6), dbSNP rs750305875, ClinGen allele CA182628219.
Genomic context (GRCh38, chr8:104,451,399, plus strand): 5'-GAGGGAGCCACCTTTCTGAGGAATGGCGAAATCAATAATCATGGTGGTGCCTCCTGAGAG[A>C]GCAGCCTGGAATCATAAGAGGTTTTCAACAAATTAGCTATCAATTTCCTAGTTAAGTCAT-3'
Protein context (NP_001376.1, residues 80-100): IDDFHQGTKA[Ala90=]LSGGTTMIID